The following is an entry in ClinVar:

NM_001347721.2(DYRK1A):c.1072-1G>A

Gene: DYRK1A (dual specificity tyrosine phosphorylation regulated kinase 1A; plus strand). Cytogenetic location: 21q22.13.
Variant type: single nucleotide variant.
Coding change: c.1072-1G>A on transcript NM_001347721.2 (MANE Select); the canonical splice acceptor site of the intron before coding-DNA position 1072, G replaced by A.
Molecular consequence: splice acceptor variant.
Genome position (GRCh38, 1-based): chr21:37,496,117, G>A. VCF-style: chr21-37496117-G-A. GRCh37 (hg19) VCF-style: chr21-38868419-G-A.
Other names: c.1099-1G>A (NM_130438.2, NM_001396.5, NM_101395.2); c.1072-1G>A (NM_001347722.2, NM_130436.2); c.985-1G>A (NM_001347723.2).
Identifiers: ClinVar variation 2499573 (VCV002499573.3), dbSNP rs2518048062, ClinGen allele CA409936700.
Genomic context (GRCh38, chr21:37,496,117, plus strand): 5'-ATGAGCAGGAGTAGATGTACAGTAGAAATTACAGGTTTTGTTGTTTTTATTTTTAATACA[G>A]GTAGATCAGATGAATAAAATAGTGGAAGTTCTGGGTATTCCACCTGCTCATATTCTTGAC-3'

ClinVar aggregate classification (germline): Pathogenic/Likely pathogenic. Review status: criteria provided, multiple submitters, no conflicts (2 of 4 stars). 2 submissions from 2 submitters: Pathogenic (1); Likely pathogenic (1). Last evaluated 2024-10-24.

Conditions:
DYRK1A-related intellectual disability syndrome (MRD7). Also called: DYRK1A Syndrome; Intellectual developmental disorder, autosomal dominant 7. Identifiers: Orphanet 464306, MedGen C5568143, MONDO:0013578, OMIM 614104.

Submissions (2):

GeneDx
Classification: Pathogenic. Last evaluated: 2024-10-24. Review status: criteria provided, single submitter. Criteria: GeneDx Variant Classification Process June 2021. Collection method: clinical testing. Allele origin: germline. Affected: yes.
Comment: Reported in the published literature in a patient with intellectual disability (PMID: 37853563); Canonical splice site variant predicted to result in an in-frame loss of the adjacent exon in a gene for which loss of function is a known mechanism of disease; Not observed at significant frequency in large population cohorts (gnomAD); This variant is associated with the following publications: (PMID: 37853563)

Duke University Health System Sequencing Clinic, Duke University Health System
Classification: Likely pathogenic for DYRK1A-related intellectual disability syndrome. Last evaluated: 2023-04-20. Review status: criteria provided, single submitter. Criteria: ACMG Guidelines, 2015. Collection method: research. Allele origin: de novo. Affected: yes.